The following is an entry in ClinVar:

ClinVar aggregate classification (germline): Benign/Likely benign. Review status: criteria provided, multiple submitters, no conflicts (2 of 4 stars). 9 submissions from 9 submitters: Benign (2); Likely benign (7). Last evaluated 2026-03-31.

Conditions:
Hereditary nonpolyposis colorectal neoplasms. Identifiers: MedGen C0009405, MeSH D003123.
Hereditary cancer-predisposing syndrome. Also called: Tumor predisposition; Hereditary Cancer Syndrome; Neoplastic Syndromes, Hereditary; Hereditary neoplastic syndrome. Identifiers: Orphanet 140162, MedGen C0027672, MeSH D009386, MONDO:0015356.
Lynch syndrome. Identifiers: Orphanet 144, MedGen C4552100, MONDO:0005835. Disease mechanism: loss of function.
Lynch syndrome 4 (LYNCH4). Also called: Hereditary non-polyposis colorectal cancer, type 4; Colorectal cancer, hereditary nonpolyposis, type 4. Identifiers: Orphanet 144, MedGen C1838333, MONDO:0013699, OMIM 614337. Disease mechanism: loss of function.

Allele frequency attached by ClinVar (database versions not stated): TOPMed 0.00002; ExAC 0.00004; gnomAD exomes 0.00004.
gnomAD v4.1: 29 of 1,601,156 alleles (0.0018%); highest among the groups gnomAD compares: Admixed American, 0.0084%; no homozygotes.

Submissions (9):

Ambry Genetics
Classification: Likely benign for Hereditary cancer-predisposing syndrome. Last evaluated: 2026-03-31. Review status: criteria provided, single submitter. Criteria: Ambry Variant Classification Scheme 2023. Collection method: clinical testing. Allele origin: germline.

Women's Health and Genetics/Laboratory Corporation of America, LabCorp
Classification: Likely benign. Last evaluated: 2026-02-06. Review status: criteria provided, single submitter. Criteria: LabCorp Variant Classification Summary - May 2015. Collection method: clinical testing. Allele origin: germline.

Labcorp Genetics (formerly Invitae), Labcorp
Classification: Likely benign for Hereditary nonpolyposis colorectal neoplasms. Last evaluated: 2025-12-13. Review status: criteria provided, single submitter. Criteria: Invitae Variant Classification Sherloc (09022015). Collection method: clinical testing. Allele origin: germline.

Myriad Genetics, Inc.
Classification: Benign for Lynch syndrome 4. Last evaluated: 2025-01-28. Review status: criteria provided, single submitter. Criteria: Myriad Autosomal Dominant, Autosomal Recessive and X-Linked Classification Criteria (2023). Collection method: clinical testing. Allele origin: unknown.
Comment: This variant is considered benign. This variant is a silent/synonymous amino acid change and it is not expected to impact splicing.

All of Us Research Program, National Institutes of Health
Classification: Likely benign for Lynch syndrome. Last evaluated: 2024-02-05. Review status: criteria provided, single submitter. Criteria: ACMG Guidelines, 2015. Collection method: clinical testing. Allele origin: germline. Inheritance: Autosomal dominant inheritance. Observed: 7 variant alleles, 7 heterozygotes.
Comment: This study involves interpretation of variants in research participants for the purpose of population health screening. Participant phenotype was not available at the time of variant classification. Additional details can be found in publication PMID: 35346344, PMCID: PMC8962531

Blueprint Genetics
Classification: Likely benign. Last evaluated: 2021-09-18. Review status: criteria provided, single submitter. Criteria: ACMG Guidelines, 2015. Collection method: clinical testing. Allele origin: germline.

PreventionGenetics, part of Exact Sciences
Classification: Likely benign. Last evaluated: 2018-01-19. Review status: criteria provided, single submitter. Criteria: ACMG Guidelines, 2015. Collection method: clinical testing. Allele origin: germline.

Color Diagnostics, LLC DBA Color Health
Classification: Likely benign for Hereditary cancer-predisposing syndrome. Last evaluated: 2015-04-14. Review status: criteria provided, single submitter. Criteria: ACMG Guidelines, 2015. Collection method: clinical testing. Allele origin: germline.

GeneDx
Classification: Benign. Last evaluated: 2014-04-14. Review status: criteria provided, single submitter. Criteria: GeneDx Variant Classification (06012015). Collection method: clinical testing. Allele origin: germline. Affected: yes.
Comment: This variant is considered likely benign or benign based on one or more of the following criteria: it is a conservative change, it occurs at a poorly conserved position in the protein, it is predicted to be benign by multiple in silico algorithms, and/or has population frequency not consistent with disease.

NM_000535.7(PMS2):c.765C>T (p.Tyr255=)

Gene: PMS2 (PMS1 homolog 2, mismatch repair system component; minus strand). Cytogenetic location: 7p22.1.
Variant type: single nucleotide variant.
Coding change: c.765C>T on transcript NM_000535.7 (MANE Select); coding-DNA position 765, C replaced by T.
Protein change: p.Tyr255=; no amino-acid change (tyrosine 255 retained).
Molecular consequence: synonymous variant. On other transcripts: 5 prime UTR variant (2), non-coding transcript variant (1).
Genome position (GRCh38, 1-based): chr7:5,997,364, G>A on the plus strand (C>T on the coding strand, the complement: PMS2 is on the minus strand). VCF-style: chr7-5997364-G-A. GRCh37 (hg19) VCF-style: chr7-6036995-G-A.
Other names: p.Y255Y:TAC>TAT; c.360C>T, p.Tyr120= (NM_001322003.2, NM_001322004.2, NM_001322005.2 and 2 more transcripts); c.765C>T, p.Tyr255= (NM_001322006.2, NM_001322014.2); c.447C>T, p.Tyr149= (NM_001322007.2, NM_001322008.2); c.-169C>T (NM_001322011.2, NM_001322012.2); c.192C>T, p.Tyr64= (NM_001322013.2); c.456C>T, p.Tyr152= (NM_001322015.2).
Identifiers: ClinVar variation 138697 (VCV000138697.23), dbSNP rs573125799, ClinGen allele CA012762.